The following is an entry in ClinVar:

ClinVar aggregate classification (germline): Uncertain significance (1 of 4 stars; one submission).

Conditions:
Multiple mitochondrial dysfunctions syndrome 1 (MMDS1). Identifiers: Orphanet 401869, MedGen C3276432, MONDO:0011582, OMIM 605711.

Allele frequency attached by ClinVar (database versions not stated): ExAC 0.00001.
gnomAD v4.1: 1 of 1,600,884 alleles (0.000062%); no homozygotes.

Submission:

Labcorp Genetics (formerly Invitae), Labcorp
Classification: Uncertain significance for Multiple mitochondrial dysfunctions syndrome 1. Last evaluated: 2023-08-23. Review status: criteria provided, single submitter. Criteria: Invitae Variant Classification Sherloc (09022015). Collection method: clinical testing. Allele origin: germline.
Comment: This variant has not been reported in the literature in individuals affected with NFU1-related conditions. In summary, the available evidence is currently insufficient to determine the role of this variant in disease. Therefore, it has been classified as a Variant of Uncertain Significance. Algorithms developed to predict the effect of missense changes on protein structure and function output the following: SIFT: "Not Available"; PolyPhen-2: "Benign"; Align-GVGD: "Not Available". The tyrosine amino acid residue is found in multiple mammalian species, which suggests that this missense change does not adversely affect protein function. This variant is present in population databases (rs750469296, gnomAD 0.006%). This sequence change replaces cysteine, which is neutral and slightly polar, with tyrosine, which is neutral and polar, at codon 23 of the NFU1 protein (p.Cys23Tyr).

NM_001002755.4(NFU1):c.68G>A (p.Cys23Tyr)

Gene: NFU1 (NFU1 iron-sulfur cluster scaffold; minus strand). Cytogenetic location: 2p13.3.
Variant type: single nucleotide variant.
Coding change: c.68G>A on transcript NM_001002755.4 (MANE Select); coding-DNA position 68, G replaced by A.
Protein change: p.Cys23Tyr; replaces cysteine 23 with tyrosine.
Molecular consequence: missense variant. On other transcripts: 5 prime UTR variant (3), non-coding transcript variant (2).
Genome position (GRCh38, 1-based): chr2:69,432,000, C>T on the plus strand (G>A on the coding strand, the complement: NFU1 is on the minus strand). VCF-style: chr2-69432000-C-T. GRCh37 (hg19) VCF-style: chr2-69659132-C-T.
Other names: c.-220G>A (NM_001002756.2); c.-5G>A (NM_001374284.1, NM_015700.4); short protein forms C23Y.
Identifiers: ClinVar variation 2754709 (VCV002754709.3), dbSNP rs750469296, ClinGen allele CA1694300.
Genomic context (GRCh38, chr2:69,432,000, plus strand): 5'-CTTTGTACAAACTGATGCAGAGGCTGTTTCTTAATGGTGTATGGATTCTTCAACATATGA[C>T]AGAACCTGCATTTAAAAGCACATAATGAATGACATTTTAAGAGCTCTAATCTTTTAAAGT-3'
Protein context (NP_001002755.1, residues 13-33): AVAAGLRRRF[Cys23Tyr]HMLKNPYTIK